The following is an entry in ClinVar:

ClinVar aggregate classification (germline): Uncertain significance (1 of 4 stars; one submission).

gnomAD v4.1: 2 of 1,614,124 alleles (0.00012%); highest among the groups gnomAD compares: Non-Finnish European, 0.00017%; no homozygotes.

Submission:

Ambry Genetics
Classification: Uncertain significance. Last evaluated: 2026-08-10. Review status: criteria provided, single submitter. Criteria: Ambry Variant Classification Scheme 2023. Collection method: clinical testing. Allele origin: germline.
Comment: The p.M294I variant (also known as c.882G>A), located in coding exon 4 of the PALLD gene, results from a G to A substitution at nucleotide position 882. The methionine at codon 294 is replaced by isoleucine, an amino acid with highly similar properties. This amino acid position is conserved. In addition, this alteration is predicted to be tolerated by in silico analysis. Based on the available evidence, the clinical significance of this variant remains unclear.

NM_001166108.2(PALLD):c.2394G>A (p.Met798Ile)

Genes: CBR4 (carbonyl reductase 4; minus strand), PALLD (palladin, cytoskeletal associated protein; plus strand). Cytogenetic location: 4q32.3.
Variant type: single nucleotide variant.
Coding change: c.2394G>A on transcript NM_001166108.2 (MANE Select); coding-DNA position 2394, G replaced by A.
Protein change: p.Met798Ile; replaces methionine 798 with isoleucine.
Molecular consequence: missense variant.
Genome position (GRCh38, 1-based): chr4:168,898,636, G>A. VCF-style: chr4-168898636-G-A. GRCh37 (hg19) VCF-style: chr4-169819787-G-A.
Other names: c.1197G>A, p.Met399Ile (NM_001166109.2); c.882G>A, p.Met294Ile (NM_001166110.2); c.222G>A, p.Met74Ile (NM_001367567.1, NM_001367569.1); c.273G>A, p.Met91Ile (NM_001367568.1, NM_001367570.1); c.2343G>A, p.Met781Ile (NM_016081.4); short protein forms M399I, M74I, M781I, M91I, M798I, M294I.
Identifiers: ClinVar variation 5026236 (VCV005026236.1).
Genomic context (GRCh38, chr4:168,898,636, plus strand): 5'-TGATGAAGTTCAGTATGGAGATGTGCCTGTGGAAAATGGAATGGCACCATTCTTTGAGAT[G>A]AAGCTGAAACATTACAAGATCTTTGAGGGAATGCCAGTAACTTTCACATGTAGAGTGGCT-3'
Protein context (NP_001159580.1, residues 788-808): VENGMAPFFE[Met798Ile]KLKHYKIFEG